The following is an entry in ClinVar:

NM_001243279.3(ACSF3):c.667-1G>A

Gene: ACSF3 (acyl-CoA synthetase family member 3; plus strand). Cytogenetic location: 16q24.3.
Variant type: single nucleotide variant.
Coding change: c.667-1G>A on transcript NM_001243279.3 (MANE Select); the canonical splice acceptor site of the intron before coding-DNA position 667, G replaced by A.
Molecular consequence: splice acceptor variant.
Genome position (GRCh38, 1-based): chr16:89,102,603, G>A. VCF-style: chr16-89102603-G-A. GRCh37 (hg19) VCF-style: chr16-89169011-G-A.
Other names: c.667-1G>A (NM_001127214.4, NM_174917.5); c.-129-1G>A (NM_001284316.2).
Identifiers: ClinVar variation 4816976 (VCV004816976.1).

ClinVar aggregate classification (germline): Likely pathogenic (1 of 4 stars; one submission).

Conditions:
Combined malonic and methylmalonic acidemia. Identifiers: Orphanet 289504, MedGen C3280314, MONDO:0013661, OMIM 614265.

gnomAD v4.1: 1 of 1,613,662 alleles (0.000062%); highest among the groups gnomAD compares: Non-Finnish European, 0.000085%; no homozygotes.

Submission:

Natera, Inc.
Classification: Likely pathogenic for Combined malonic and methylmalonic aciduria. Last evaluated: 2025-05-28. Review status: criteria provided, single submitter. Criteria: Natera Variant Classification Schema (03/2026). Collection method: clinical testing. Allele origin: germline.
Comment: The c.667-1G>A variant in ACSF3 is a canonical splice acceptor site variant predicted to affect pre-mRNA splicing, which may result in an abnormal transcript and altered protein product. This variant is expected to result in nonsense mediated decay, truncation, or a dysfunctional protein product. This variant is rare in the general population with a frequency below the threshold expected for the associated phenotype(s). Given the available evidence, this variant is classified as Likely Pathogenic.